The following is an entry in ClinVar:

NM_004120.5(GBP2):c.75A>G (p.Pro25=)

Genes: GBP2 (guanylate binding protein 2; minus strand), LOC122094860 (Sharpr-MPRA regulatory region 4932; plus strand). Cytogenetic location: 1p22.2.
Variant type: single nucleotide variant.
Coding change: c.75A>G on transcript NM_004120.5 (MANE Select); coding-DNA position 75, A replaced by G.
Protein change: p.Pro25=; no amino-acid change (proline 25 retained).
Molecular consequence: synonymous variant.
Genome position (GRCh38, 1-based): chr1:89,121,892, T>C on the plus strand (A>G on the coding strand, the complement: GBP2 is on the minus strand). VCF-style: chr1-89121892-T-C. GRCh37 (hg19) VCF-style: chr1-89587575-T-C.
Identifiers: ClinVar variation 2638920 (VCV002638920.24), dbSNP rs149938333, ClinGen allele CA940704.

ClinVar aggregate classification (germline): Likely benign (1 of 4 stars; one submission).

Allele frequency attached by ClinVar (database versions not stated): ExAC 0.00019; gnomAD 0.00025; TOPMed 0.00029; ESP Exome Variant Server 0.00038.
gnomAD v4.1: 255 of 1,614,120 alleles (0.016%); highest among the groups gnomAD compares: East Asian, 0.058%; 17 homozygotes.

Submission:

CeGaT Center for Human Genetics Tuebingen
Classification: Likely benign. Last evaluated: 2023-03-01. Review status: criteria provided, single submitter. Criteria: CeGaT Center For Human Genetics Tuebingen Variant Classification Criteria Version 2. Collection method: clinical testing. Allele origin: germline. Affected: yes. Observed: 1 variant allele.
Comment: GBP2: BP4, BP7